The following is an entry in ClinVar:

NM_001256715.2(DNAAF3):c.271A>G (p.Met91Val)

Genes: DNAAF3-AS1 (DNAAF3 antisense RNA 1; plus strand), DNAAF3 (dynein axonemal assembly factor 3; minus strand). Cytogenetic location: 19q13.42.
Variant type: single nucleotide variant.
Coding change: c.271A>G on transcript NM_001256715.2 (MANE Select); coding-DNA position 271, A replaced by G.
Protein change: p.Met91Val; replaces methionine 91 with valine.
Molecular consequence: missense variant.
Genome position (GRCh38, 1-based): chr19:55,165,421, T>C on the plus strand (A>G on the coding strand, the complement: DNAAF3 is on the minus strand). VCF-style: chr19-55165421-T-C. GRCh37 (hg19) VCF-style: chr19-55676789-T-C.
Other names: c.475A>G, p.Met159Val (NM_001256714.1); c.109A>G, p.Met37Val (NM_001256716.2); c.412A>G, p.Met138Val (NM_178837.4); short protein forms M159V, M37V, M91V, M138V.
Identifiers: ClinVar variation 662183 (VCV000662183.36), dbSNP rs1181045345, ClinGen allele CA407460045.

ClinVar aggregate classification (germline): Uncertain significance. Review status: criteria provided, multiple submitters, no conflicts (2 of 4 stars). 3 submissions from 3 submitters: Uncertain significance (3). Last evaluated 2025-12-09.

Conditions:
Primary ciliary dyskinesia. Also called: Ciliary dyskinesia. Identifiers: Orphanet 244, MedGen C0008780, MONDO:0016575, HP:0012265.

Allele frequency attached by ClinVar (database versions not stated): TOPMed 0.00001; gnomAD 0.00003; gnomAD exomes below 0.00001.
gnomAD v4.1: 43 of 1,614,032 alleles (0.0027%); highest among the groups gnomAD compares: Non-Finnish European, 0.0031%; no homozygotes.

Submissions (3):

Ambry Genetics
Classification: Uncertain significance for Primary ciliary dyskinesia. Last evaluated: 2025-12-09. Review status: criteria provided, single submitter. Criteria: Ambry Variant Classification Scheme 2023. Collection method: clinical testing. Allele origin: germline.

CeGaT Center for Human Genetics Tuebingen
Classification: Uncertain significance. Last evaluated: 2023-06-01. Review status: criteria provided, single submitter. Criteria: CeGaT Center For Human Genetics Tuebingen Variant Classification Criteria Version 2. Collection method: clinical testing. Allele origin: germline. Affected: yes. Observed: 1 variant allele.
Comment: DNAAF3: PM2

Labcorp Genetics (formerly Invitae), Labcorp
Classification: Uncertain significance for Primary ciliary dyskinesia. Last evaluated: 2018-12-05. Review status: criteria provided, single submitter. Criteria: Invitae Variant Classification Sherloc (09022015). Collection method: clinical testing. Allele origin: germline.
Comment: This sequence change replaces methionine with valine at codon 159 of the DNAAF3 protein (p.Met159Val). The methionine residue is moderately conserved and there is a small physicochemical difference between methionine and valine. This variant is not present in population databases (ExAC no frequency). This variant has not been reported in the literature in individuals with DNAAF3-related conditions. Algorithms developed to predict the effect of missense changes on protein structure and function are either unavailable or do not agree on the potential impact of this missense change (SIFT: "Deleterious"; PolyPhen-2: "Benign"; Align-GVGD: "Class C0"). In summary, the available evidence is currently insufficient to determine the role of this variant in disease. Therefore, it has been classified as a Variant of Uncertain Significance.